The following is an entry in ClinVar:

ClinVar aggregate classification (germline): Uncertain significance. Review status: criteria provided, multiple submitters, no conflicts (2 of 4 stars). 2 submissions from 2 submitters: Uncertain significance (2). Last evaluated 2025-01-06.

Conditions:
Idiopathic generalized epilepsy. Also called: EIG; Generalised epilepsy. Identifiers: MedGen C0270850, MONDO:0005579, OMIM 600669.

Allele frequency attached by ClinVar (database versions not stated): gnomAD exomes below 0.00001.
gnomAD v4.1: 3 of 1,611,846 alleles (0.00019%); highest among the groups gnomAD compares: Non-Finnish European, 0.00025%; no homozygotes.

Submissions (2):

GeneDx
Classification: Uncertain significance. Last evaluated: 2025-01-06. Review status: criteria provided, single submitter. Criteria: GeneDx Variant Classification Process June 2021. Collection method: clinical testing. Allele origin: germline. Affected: yes.
Comment: Not observed at significant frequency in large population cohorts (gnomAD); In silico analysis indicates that this missense variant does not alter protein structure/function; Has not been previously published as pathogenic or benign to our knowledge

Labcorp Genetics (formerly Invitae), Labcorp
Classification: Uncertain significance for Idiopathic generalized epilepsy. Last evaluated: 2022-06-04. Review status: criteria provided, single submitter. Criteria: Invitae Variant Classification Sherloc (09022015). Collection method: clinical testing. Allele origin: germline.
Comment: This sequence change replaces isoleucine, which is neutral and non-polar, with valine, which is neutral and non-polar, at codon 192 of the GABRD protein (p.Ile192Val). This variant is not present in population databases (gnomAD no frequency). This variant has not been reported in the literature in individuals affected with GABRD-related conditions. ClinVar contains an entry for this variant (Variation ID: 1435016). Algorithms developed to predict the effect of missense changes on protein structure and function output the following: SIFT: "Tolerated"; PolyPhen-2: "Benign"; Align-GVGD: "Class C0". The valine amino acid residue is found in multiple mammalian species, which suggests that this missense change does not adversely affect protein function. In summary, the available evidence is currently insufficient to determine the role of this variant in disease. Therefore, it has been classified as a Variant of Uncertain Significance.

NM_000815.5(GABRD):c.574A>G (p.Ile192Val)

Gene: GABRD (gamma-aminobutyric acid type A receptor subunit delta; plus strand). Cytogenetic location: 1p36.33.
Variant type: single nucleotide variant.
Coding change: c.574A>G on transcript NM_000815.5 (MANE Select); coding-DNA position 574, A replaced by G.
Protein change: p.Ile192Val; replaces isoleucine 192 with valine.
Molecular consequence: missense variant.
Genome position (GRCh38, 1-based): chr1:2,028,175, A>G. VCF-style: chr1-2028175-A-G. GRCh37 (hg19) VCF-style: chr1-1959614-A-G.
Other names: c.574A>G (NM_000815.4); short protein forms I192V.
Identifiers: ClinVar variation 1435016 (VCV001435016.7), dbSNP rs766753329, ClinGen allele CA16889230.
Genomic context (GRCh38, chr1:2,028,175, plus strand): 5'-GGGCCGGGCTCTGCCGCCCACCTGTGTGCTTTTCCTCCAGACGGTTACTCATCGGAGGAC[A>G]TCGTCTACTACTGGTCGGAGAGCCAGGAGCACATCCACGGGCTGGACAAGCTGCAGCTGG-3'
Protein context (NP_000806.2, residues 182-202): LESYGYSSED[Ile192Val]VYYWSESQEH